The following is an entry in ClinVar:

NM_001127208.3(TET2):c.3116C>T (p.Ser1039Leu)

Genes: TET2-AS1 (TET2 antisense RNA 1; minus strand), TET2 (tet methylcytosine dioxygenase 2; plus strand). Cytogenetic location: 4q24.
Variant type: single nucleotide variant.
Coding change: c.3116C>T on transcript NM_001127208.3 (MANE Select); coding-DNA position 3116, C replaced by T.
Protein change: p.Ser1039Leu; replaces serine 1039 with leucine.
Molecular consequence: missense variant.
Genome position (GRCh38, 1-based): chr4:105,237,058, C>T. VCF-style: chr4-105237058-C-T. GRCh37 (hg19) VCF-style: chr4-106158215-C-T.
Other names: c.3116C>T, p.Ser1039Leu (NM_017628.4); short protein forms S1039L.
Identifiers: ClinVar variation 135314 (VCV000135314.27), dbSNP rs111678678, ClinGen allele CA162335.

ClinVar aggregate classification (germline): Benign/Likely benign. Review status: criteria provided, multiple submitters, no conflicts (2 of 4 stars). 4 submissions from 4 submitters: Benign (1); Likely benign (1). 2 of the submissions do not count toward it. Last evaluated 2025-12-21.

Allele frequency attached by ClinVar (database versions not stated): ESP Exome Variant Server 0.00015; gnomAD exomes 0.00041 and 0.00151; gnomAD 0.00046 and 0.00078; TOPMed 0.00071; ExAC 0.00161; 1000 Genomes Project 30x 0.00640; 1000 Genomes Project 0.00659.
gnomAD v4.1: 761 of 1,614,118 alleles (0.047%); highest among the groups gnomAD compares: East Asian, 1.1%; 2 homozygotes.

Submissions (4):

Labcorp Genetics (formerly Invitae), Labcorp
Classification: Benign. Last evaluated: 2025-12-21. Review status: criteria provided, single submitter. Criteria: Invitae Variant Classification Sherloc (09022015). Collection method: clinical testing. Allele origin: germline.

CeGaT Center for Human Genetics Tuebingen
Classification: Likely benign. Last evaluated: 2024-07-01. Review status: criteria provided, single submitter. Criteria: CeGaT Center For Human Genetics Tuebingen Variant Classification Criteria Version 2. Collection method: clinical testing. Allele origin: germline. Affected: yes. Observed: 1 variant allele.
Comment: TET2: BP4, BS1

Genetic Services Laboratory, University of Chicago
Classification: Benign. Last evaluated: 2022-05-06. Review status: no assertion criteria provided. Collection method: clinical testing. Allele origin: germline. Affected: no. Not counted in ClinVar's aggregate classification.

ITMI
No classification provided. Condition: AllHighlyPenetrant. Last evaluated: 2013-09-19. Review status: no classification provided. Collection method: reference population. Allele origin: germline. Not counted in ClinVar's aggregate classification.
Comment: Please see associated publication for description of ethnicities

Literature cited by the submitters: PubMed 24728327 (cited by ITMI).